The following is an entry in ClinVar:

ClinVar aggregate classification (germline): Uncertain significance (1 of 4 stars; one submission).

Submission:

Labcorp Genetics (formerly Invitae), Labcorp
Classification: Uncertain significance. Last evaluated: 2023-08-28. Review status: criteria provided, single submitter. Criteria: Invitae Variant Classification Sherloc (09022015). Collection method: clinical testing. Allele origin: germline.
Comment: This sequence change replaces threonine, which is neutral and polar, with asparagine, which is neutral and polar, at codon 399 of the IL6ST protein (p.Thr399Asn). This variant is not present in population databases (gnomAD no frequency). This variant has not been reported in the literature in individuals affected with IL6ST-related conditions. An algorithm developed to predict the effect of missense changes on protein structure and function (PolyPhen-2) suggests that this variant is likely to be tolerated. In summary, the available evidence is currently insufficient to determine the role of this variant in disease. Therefore, it has been classified as a Variant of Uncertain Significance.

NM_002184.4(IL6ST):c.1196C>A (p.Thr399Asn)

Gene: IL6ST (interleukin 6 cytokine family signal transducer; minus strand). Cytogenetic location: 5q11.2.
Variant type: single nucleotide variant.
Coding change: c.1196C>A on transcript NM_002184.4 (MANE Select); coding-DNA position 1196, C replaced by A.
Protein change: p.Thr399Asn; replaces threonine 399 with asparagine.
Molecular consequence: missense variant. On other transcripts: 3 prime UTR variant (1), non-coding transcript variant (2).
Genome position (GRCh38, 1-based): chr5:55,956,096, G>T on the plus strand (C>A on the coding strand, the complement: IL6ST is on the minus strand). VCF-style: chr5-55956096-G-T. GRCh37 (hg19) VCF-style: chr5-55251924-G-T.
Other names: c.1196C>A, p.Thr399Asn (NM_001190981.2, NM_001364275.2); c.986C>A, p.Thr329Asn (NM_001364276.2); c.329C>A, p.Thr110Asn (NM_001364277.2); c.293C>A, p.Thr98Asn (NM_001364278.2); c.200C>A, p.Thr67Asn (NM_001364279.2); c.*123C>A (NM_175767.3); short protein forms T399N, T329N, T110N, T98N, T67N.
Identifiers: ClinVar variation 2756148 (VCV002756148.3), dbSNP rs2533504062, ClinGen allele CA359763989.